The following is an entry in ClinVar:

NM_006017.3(PROM1):c.1139C>T (p.Ala380Val)

Gene: PROM1 (prominin 1; minus strand). Cytogenetic location: 4p15.32.
Variant type: single nucleotide variant.
Coding change: c.1139C>T on transcript NM_006017.3 (MANE Select); coding-DNA position 1139, C replaced by T.
Protein change: p.Ala380Val; replaces alanine 380 with valine.
Molecular consequence: missense variant.
Genome position (GRCh38, 1-based): chr4:16,013,277, G>A on the plus strand (C>T on the coding strand, the complement: PROM1 is on the minus strand). VCF-style: chr4-16013277-G-A. GRCh37 (hg19) VCF-style: chr4-16014900-G-A.
Other names: c.1112C>T, p.Ala371Val (NM_001145847.2, NM_001145848.2, NM_001145851.2 and 4 more transcripts); c.1139C>T, p.Ala380Val (NM_001145849.2, NM_001145850.2); short protein forms A371V, A380V.
Identifiers: ClinVar variation 866131 (VCV000866131.7), dbSNP rs1369542308, ClinGen allele CA356437297.

ClinVar aggregate classification (germline): Uncertain significance. Review status: criteria provided, multiple submitters, no conflicts (2 of 4 stars). 2 submissions from 2 submitters: Uncertain significance (2). Last evaluated 2025-03-12.

Allele frequency attached by ClinVar (database versions not stated): gnomAD exomes below 0.00001.
gnomAD v4.1: 5 of 1,603,934 alleles (0.00031%); highest among the groups gnomAD compares: Non-Finnish European, 0.00043%; no homozygotes.

Submissions (2):

Labcorp Genetics (formerly Invitae), Labcorp
Classification: Uncertain significance. Last evaluated: 2025-03-12. Review status: criteria provided, single submitter. Criteria: Invitae Variant Classification Sherloc (09022015). Collection method: clinical testing. Allele origin: germline.
Comment: This sequence change replaces alanine, which is neutral and non-polar, with valine, which is neutral and non-polar, at codon 380 of the PROM1 protein (p.Ala380Val). This variant is present in population databases (no rsID available, gnomAD 0.0009%). This missense change has been observed in individual(s) with clinical features of autosomal recessive retinitis pigmentosa and/or macular atrophy (internal data). In at least one individual the data is consistent with being in trans (on the opposite chromosome) from a pathogenic variant. ClinVar contains an entry for this variant (Variation ID: 866131). An algorithm developed to predict the effect of missense changes on protein structure and function (PolyPhen-2) suggests that this variant is likely to be disruptive. In summary, the available evidence is currently insufficient to determine the role of this variant in disease. Therefore, it has been classified as a Variant of Uncertain Significance.

Blueprint Genetics
Classification: Uncertain significance. Last evaluated: 2018-05-29. Review status: criteria provided, single submitter. Criteria: ACMG Guidelines, 2015. Collection method: clinical testing. Allele origin: germline.